The following is an entry in ClinVar:

NM_000020.3(ACVRL1):c.1260del (p.Tyr421fs)

Gene: ACVRL1 (activin A receptor like type 1; plus strand). Cytogenetic location: 12q13.13.
Variant type: Deletion.
Coding change: c.1260del on transcript NM_000020.3 (MANE Select); coding-DNA position 1260, one base deleted (C; older notation c.1260delC).
Protein change: p.Tyr421fs; shifts the reading frame from tyrosine 421.
Molecular consequence: frameshift variant.
Genome position (GRCh38, 1-based): chr12:51,918,998, C deleted. VCF-style (leftmost placement, unchanged base first): chr12-51918997-AC-A. GRCh37 (hg19) VCF-style: chr12-52312781-AC-A.
Other names: c.1260del, p.Tyr421fs (NM_001077401.2); c.1260delC, p.Tyr421Ilefs (NM_001406487.1, NM_001406488.1, NM_001406489.1); c.1104delC, p.Tyr369Ilefs (NM_001406490.1); c.948delC, p.Tyr317Ilefs (NM_001406491.1, NM_001406492.1, NM_001406493.1); c.750delC, p.Tyr251Ilefs (NM_001406494.1); c.696delC, p.Tyr233Ilefs (NM_001406495.1); short protein forms Y421fs.
Identifiers: ClinVar variation 2100823 (VCV002100823.4), dbSNP rs2540170618, ClinGen allele CA2580086420.

ClinVar aggregate classification (germline): Pathogenic (1 of 4 stars; one submission).

Conditions:
Telangiectasia, hereditary hemorrhagic, type 2 (HHT2). Also called: Telangiectasia, hereditary hemorrhagic, type II; ACVRL1-Related Hereditary Hemorrhagic Telangiectasia. Identifiers: Orphanet 774, MedGen C1838163, MONDO:0010880, OMIM 600376. Disease mechanism: loss of function.

Submission:

Labcorp Genetics (formerly Invitae), Labcorp
Classification: Pathogenic for Telangiectasia, hereditary hemorrhagic, type 2. Last evaluated: 2022-02-21. Review status: criteria provided, single submitter. Criteria: Invitae Variant Classification Sherloc (09022015). Collection method: clinical testing. Allele origin: germline.
Comment: For these reasons, this variant has been classified as Pathogenic. This variant has not been reported in the literature in individuals affected with ACVRL1-related conditions. This variant is not present in population databases (gnomAD no frequency). This sequence change creates a premature translational stop signal (p.Tyr421Ilefs*18) in the ACVRL1 gene. It is expected to result in an absent or disrupted protein product. Loss-of-function variants in ACVRL1 are known to be pathogenic (PMID: 15879500).

Literature cited by the submitters: PubMed 15879500.